The following is an entry in ClinVar:

ClinVar aggregate classification (germline): Uncertain significance (1 of 4 stars; one submission).

Allele frequency attached by ClinVar (database versions not stated): gnomAD 0.00001 and 0.00002.
gnomAD v4.1: 2 of 1,199,190 alleles (0.00017%); highest among the groups gnomAD compares: African/African-American, 0.0035%; no homozygotes.

Submission:

GeneDx
Classification: Uncertain significance. Last evaluated: 2017-09-12. Review status: criteria provided, single submitter. Criteria: GeneDx Variant Classification (06012015). Collection method: clinical testing. Allele origin: germline. Affected: yes.
Comment: The A95T variant in the UPF3B gene has not been reported previously as a pathogenic variant, nor as a benign variant, to our knowledge. The A95T variant is not observed in large population cohorts (Lek et al., 2016; 1000 Genomes Consortium et al., 2015; Exome Variant Server). The A95T variant is a non-conservative amino acid substitution, which occurs at a position that is not conserved. In silico analysis is inconsistent in its predictions as to whether or not the variant is damaging to the protein structure/function. We interpret A95T as a variant of uncertain significance.

NM_080632.3(UPF3B):c.283G>A (p.Ala95Thr)

Gene: UPF3B (UPF3B regulator of nonsense mediated mRNA decay; minus strand). Cytogenetic location: Xq24.
Variant type: single nucleotide variant.
Coding change: c.283G>A on transcript NM_080632.3 (MANE Select); coding-DNA position 283, G replaced by A.
Protein change: p.Ala95Thr; replaces alanine 95 with threonine.
Molecular consequence: missense variant.
Genome position (GRCh38, 1-based): chrX:119,851,582, C>T on the plus strand (G>A on the coding strand, the complement: UPF3B is on the minus strand). VCF-style: chrX-119851582-C-T. GRCh37 (hg19) VCF-style: chrX-118985545-C-T.
Other names: c.283G>A, p.Ala95Thr (NM_023010.4); short protein forms A95T.
Identifiers: ClinVar variation 451790 (VCV000451790.2), dbSNP rs1556383687, ClinGen allele CA414185410.